The following is an entry in ClinVar:

ClinVar aggregate classification (germline): Uncertain significance (1 of 4 stars; one submission).

Conditions:
Tuberous sclerosis 2 (TSC2). Identifiers: Orphanet 805, MedGen C1860707, MONDO:0013199, OMIM 613254.

Allele frequency attached by ClinVar (database versions not stated): gnomAD exomes below 0.00001.
gnomAD v4.1: 1 of 1,611,308 alleles (0.000062%); highest among the groups gnomAD compares: Non-Finnish European, 0.000085%; no homozygotes.

Submission:

Labcorp Genetics (formerly Invitae), Labcorp
Classification: Uncertain significance for Tuberous sclerosis 2. Last evaluated: 2023-01-15. Review status: criteria provided, single submitter. Criteria: Invitae Variant Classification Sherloc (09022015). Collection method: clinical testing. Allele origin: germline.
Comment: In summary, the available evidence is currently insufficient to determine the role of this variant in disease. Therefore, it has been classified as a Variant of Uncertain Significance. Advanced modeling of protein sequence and biophysical properties (such as structural, functional, and spatial information, amino acid conservation, physicochemical variation, residue mobility, and thermodynamic stability) performed at Invitae indicates that this missense variant is not expected to disrupt TSC2 protein function. ClinVar contains an entry for this variant (Variation ID: 952443). This variant has not been reported in the literature in individuals affected with TSC2-related conditions. This variant is not present in population databases (gnomAD no frequency). This sequence change replaces aspartic acid, which is acidic and polar, with glycine, which is neutral and non-polar, at codon 1331 of the TSC2 protein (p.Asp1331Gly).

NM_000548.5(TSC2):c.3992A>G (p.Asp1331Gly)

Gene: TSC2 (TSC complex subunit 2; plus strand). Cytogenetic location: 16p13.3.
Variant type: single nucleotide variant.
Coding change: c.3992A>G on transcript NM_000548.5 (MANE Select); coding-DNA position 3992, A replaced by G.
Protein change: p.Asp1331Gly; replaces aspartic acid 1331 with glycine.
Molecular consequence: missense variant.
Genome position (GRCh38, 1-based): chr16:2,083,803, A>G. VCF-style: chr16-2083803-A-G. GRCh37 (hg19) VCF-style: chr16-2133804-A-G.
Other names: c.3791A>G, p.Asp1264Gly (NM_001077183.3); c.3923A>G, p.Asp1308Gly (NM_001114382.3); c.3683A>G, p.Asp1228Gly (NM_001318827.2); c.3647A>G, p.Asp1216Gly (NM_001318829.2); c.3260A>G, p.Asp1087Gly (NM_001318831.2); c.3824A>G, p.Asp1275Gly (NM_001318832.2); c.3794A>G, p.Asp1265Gly (NM_001363528.2); c.3860A>G, p.Asp1287Gly (NM_001370404.1); and 1 more; short protein forms D1265G, D1331G, D1087G, D1216G, D1287G, D1288G, D1308G, D1228G.
Identifiers: ClinVar variation 952443 (VCV000952443.9), dbSNP rs2090433367, ClinGen allele CA394297742.